The following is an entry in ClinVar:

NM_001197104.2(KMT2A):c.10795G>C (p.Val3599Leu)

Gene: KMT2A (lysine methyltransferase 2A; plus strand). Cytogenetic location: 11q23.3.
Variant type: single nucleotide variant.
Coding change: c.10795G>C on transcript NM_001197104.2 (MANE Select); coding-DNA position 10795, G replaced by C.
Protein change: p.Val3599Leu; replaces valine 3599 with leucine.
Molecular consequence: missense variant.
Genome position (GRCh38, 1-based): chr11:118,507,569, G>C. VCF-style: chr11-118507569-G-C. GRCh37 (hg19) VCF-style: chr11-118378284-G-C.
Other names: c.10885G>C, p.Val3629Leu (NM_001412597.1); c.10786G>C, p.Val3596Leu (NM_005933.4); short protein forms V3596L, V3599L, V3629L.
Identifiers: ClinVar variation 1899685 (VCV001899685.5), dbSNP rs782602225, ClinGen allele CA6304825.

ClinVar aggregate classification (germline): Uncertain significance (1 of 4 stars; one submission).

Allele frequency attached by ClinVar (database versions not stated): gnomAD exomes below 0.00001; TOPMed below 0.00001; ExAC 0.00001.
gnomAD v4.1: 3 of 1,614,164 alleles (0.00019%); highest among the groups gnomAD compares: South Asian, 0.0033%; no homozygotes.

Submission:

Labcorp Genetics (formerly Invitae), Labcorp
Classification: Uncertain significance. Last evaluated: 2024-10-15. Review status: criteria provided, single submitter. Criteria: Invitae Variant Classification Sherloc (09022015). Collection method: clinical testing. Allele origin: germline.
Comment: This sequence change replaces valine, which is neutral and non-polar, with leucine, which is neutral and non-polar, at codon 3599 of the KMT2A protein (p.Val3599Leu). This variant is present in population databases (rs782602225, gnomAD 0.003%). This variant has not been reported in the literature in individuals affected with KMT2A-related conditions. ClinVar contains an entry for this variant (Variation ID: 1899685). Invitae Evidence Modeling of protein sequence and biophysical properties (such as structural, functional, and spatial information, amino acid conservation, physicochemical variation, residue mobility, and thermodynamic stability) indicates that this missense variant is not expected to disrupt KMT2A protein function with a negative predictive value of 95%. In summary, the available evidence is currently insufficient to determine the role of this variant in disease. Therefore, it has been classified as a Variant of Uncertain Significance.